The following is an entry in ClinVar:

ClinVar aggregate classification (germline): Likely pathogenic (1 of 4 stars; one submission).

Conditions:
Inborn genetic diseases. Identifiers: MedGen C0950123, MeSH D030342.

Submission:

Ambry Genetics
Classification: Likely pathogenic for Inborn genetic diseases. Last evaluated: 2025-05-14. Review status: criteria provided, single submitter. Criteria: Ambry Variant Classification Scheme 2023. Collection method: clinical testing. Allele origin: germline.
Comment: The c.2466-1G>A intronic variant results from a G to A substitution one nucleotide(s) before coding exon 19 of the AGO1 gene. This alteration occurs at the 3' terminus of the AGO1 gene, is not expected to trigger nonsense-mediated mRNA decay, and only impacts the last 4% of the protein. The exact functional effect of this alteration is unknown, and loss of function of AGO1 has not been established as a mechanism of disease. This variant was not reported in population-based cohorts in the Genome Aggregation Database (gnomAD). This nucleotide position is highly conserved in available vertebrate species. In silico splice site analysis predicts that this alteration will weaken the native splice acceptor site. Based on the available evidence, this alteration is classified as likely pathogenic.

NM_012199.5(AGO1):c.2466-1G>A

Gene: AGO1 (argonaute RISC component 1; plus strand). Cytogenetic location: 1p34.3.
Variant type: single nucleotide variant.
Coding change: c.2466-1G>A on transcript NM_012199.5 (MANE Select); the canonical splice acceptor site of the intron before coding-DNA position 2466, G replaced by A.
Molecular consequence: splice acceptor variant.
Genome position (GRCh38, 1-based): chr1:35,919,498, G>A. VCF-style: chr1-35919498-G-A. GRCh37 (hg19) VCF-style: chr1-36385099-G-A.
Other names: c.2241-1G>A (NM_001317123.2); c.2466-1G>A (NM_001317122.2).
Identifiers: ClinVar variation 4024530 (VCV004024530.1).